The following is an entry in ClinVar:

NM_005245.4(FAT1):c.3096C>G (p.Pro1032=)

Gene: FAT1 (FAT atypical cadherin 1; minus strand). Cytogenetic location: 4q35.2.
Variant type: single nucleotide variant.
Coding change: c.3096C>G on transcript NM_005245.4 (MANE Select); coding-DNA position 3096, C replaced by G.
Protein change: p.Pro1032=; no amino-acid change (proline 1032 retained).
Molecular consequence: synonymous variant.
Genome position (GRCh38, 1-based): chr4:186,706,732, G>C on the plus strand (C>G on the coding strand, the complement: FAT1 is on the minus strand). VCF-style: chr4-186706732-G-C. GRCh37 (hg19) VCF-style: chr4-187627886-G-C.
Identifiers: ClinVar variation 3030344 (VCV003030344.2), dbSNP rs370110975, ClinGen allele CA3167116.

ClinVar aggregate classification (germline): Likely benign (0 of 4 stars; one submission).

Conditions:
FAT1-related disorder. Also called: FAT1-related condition.

Allele frequency attached by ClinVar (database versions not stated): ESP Exome Variant Server 0.00016.
gnomAD v4.1: 122 of 1,613,826 alleles (0.0076%); highest among the groups gnomAD compares: Non-Finnish European, 0.0099%; no homozygotes.

Submission:

PreventionGenetics, part of Exact Sciences
Classification: Likely benign for FAT1-related condition. Last evaluated: 2020-11-11. Review status: no assertion criteria provided. Collection method: clinical testing. Allele origin: germline.
Comment: This variant is classified as likely benign based on ACMG/AMP sequence variant interpretation guidelines (Richards et al. 2015 PMID: 25741868, with internal and published modifications).